The following is an entry in ClinVar:

ClinVar aggregate classification (germline): Uncertain significance. Review status: criteria provided, multiple submitters, no conflicts (2 of 4 stars). 2 submissions from 2 submitters: Uncertain significance (2). Last evaluated 2025-05-12.

Conditions:
Inborn genetic diseases. Identifiers: MedGen C0950123, MeSH D030342.
Regional enteritis. Also called: Enteritis, Granulomatous. Identifiers: MedGen C0678202, MeSH D003424.
Blau syndrome (BLAUS). Also called: ARTHROCUTANEOUVEAL GRANULOMATOSIS; GRANULOMATOSIS, FAMILIAL JUVENILE SYSTEMIC; GRANULOMATOSIS, FAMILIAL, BLAU TYPE; GRANULOMATOUS INFLAMMATORY ARTHRITIS, DERMATITIS, AND UVEITIS, FAMILIAL; JABS SYNDROME. Identifiers: Orphanet 90340, MedGen C5201146, MONDO:0008523, OMIM 186580.

gnomAD v4.1: 1 of 1,613,542 alleles (0.000062%); highest among the groups gnomAD compares: Non-Finnish European, 0.000085%; no homozygotes.

Submissions (2):

Labcorp Genetics (formerly Invitae), Labcorp
Classification: Uncertain significance for Regional enteritis; Blau syndrome. Last evaluated: 2025-05-12. Review status: criteria provided, single submitter. Criteria: Invitae Variant Classification Sherloc (09022015). Collection method: clinical testing. Allele origin: germline.
Comment: This sequence change replaces serine, which is neutral and polar, with phenylalanine, which is neutral and non-polar, at codon 721 of the NOD2 protein (p.Ser721Phe). This variant is not present in population databases (gnomAD no frequency). This variant has not been reported in the literature in individuals affected with NOD2-related conditions. Invitae Evidence Modeling of protein sequence and biophysical properties (such as structural, functional, and spatial information, amino acid conservation, physicochemical variation, residue mobility, and thermodynamic stability) has been performed for this missense variant. However, the output from this modeling did not meet the statistical confidence thresholds required to predict the impact of this variant on NOD2 protein function. In summary, the available evidence is currently insufficient to determine the role of this variant in disease. Therefore, it has been classified as a Variant of Uncertain Significance.

Ambry Genetics
Classification: Uncertain significance for Inborn genetic diseases. Last evaluated: 2025-03-15. Review status: criteria provided, single submitter. Criteria: Ambry Variant Classification Scheme 2023. Collection method: clinical testing. Allele origin: germline.

NM_001370466.1(NOD2):c.2081C>T (p.Ser694Phe)

Gene: NOD2 (nucleotide binding oligomerization domain containing 2; plus strand). Cytogenetic location: 16q12.1.
Variant type: single nucleotide variant.
Coding change: c.2081C>T on transcript NM_001370466.1 (MANE Select); coding-DNA position 2081, C replaced by T.
Protein change: p.Ser694Phe; replaces serine 694 with phenylalanine.
Molecular consequence: missense variant. On other transcripts: non-coding transcript variant (1).
Genome position (GRCh38, 1-based): chr16:50,712,073, C>T. VCF-style: chr16-50712073-C-T. GRCh37 (hg19) VCF-style: chr16-50745984-C-T.
Other names: c.2081C>T, p.Ser694Phe (NM_001293557.2); c.2162C>T, p.Ser721Phe (NM_022162.3); short protein forms S694F, S721F.
Identifiers: ClinVar variation 3920693 (VCV003920693.2).